The following is an entry in ClinVar:

ClinVar aggregate classification (germline): Likely benign (0 of 4 stars; one submission).

Conditions:
PLXNA3-related disorder. Also called: PLXNA3-related condition.

Submission:

PreventionGenetics, part of Exact Sciences
Classification: Likely benign for PLXNA3-related condition. Last evaluated: 2023-02-10. Review status: no assertion criteria provided. Collection method: clinical testing. Allele origin: germline.
Comment: This variant is classified as likely benign based on ACMG/AMP sequence variant interpretation guidelines (Richards et al. 2015 PMID: 25741868, with internal and published modifications).

NM_017514.5(PLXNA3):c.1209G>T (p.Gly403=)

Gene: PLXNA3 (plexin A3; plus strand). Cytogenetic location: Xq28.
Variant type: single nucleotide variant.
Coding change: c.1209G>T on transcript NM_017514.5 (MANE Select); coding-DNA position 1209, G replaced by T.
Protein change: p.Gly403=; no amino-acid change (glycine 403 retained).
Molecular consequence: synonymous variant.
Genome position (GRCh38, 1-based): chrX:154,462,202, G>T. VCF-style: chrX-154462202-G-T. GRCh37 (hg19) VCF-style: chrX-153690542-G-T.
Identifiers: ClinVar variation 3358139 (VCV003358139.1).